The following is an entry in ClinVar:

ClinVar aggregate classification (germline): Uncertain significance. Review status: criteria provided, single submitter (1 of 4 stars). 2 submissions from 2 submitters: Uncertain significance (1). 1 of the submissions does not count toward it. Last evaluated 2018-04-12.

Conditions:
Tay-Sachs disease (TSD). Also called: HEXA Disorders; HEXA DEFICIENCY; Hexosaminidase A Deficiency; GM2 gangliosidosis, type 1; Hexosaminidase alpha-subunit deficiency (variant B); Sphingolipidosis, Tay-Sachs. Identifiers: Orphanet 845, MedGen C0039373, MONDO:0010100, OMIM 272800.

Allele frequency attached by ClinVar (database versions not stated): ExAC 0.00001; gnomAD 0.00001; gnomAD exomes 0.00001; TOPMed 0.00003.
gnomAD v4.1: 6 of 1,614,072 alleles (0.00037%); highest among the groups gnomAD compares: African/African-American, 0.0053%; no homozygotes.

Submissions (3):

Labcorp Genetics (formerly Invitae), Labcorp
Classification: Uncertain significance for Tay-Sachs disease. Last evaluated: 2018-04-12. Review status: criteria provided, single submitter. Criteria: Invitae Variant Classification Sherloc (09022015). Collection method: clinical testing. Allele origin: germline.
Comment: This sequence change replaces lysine with arginine at codon 368 of the HEXA protein (p.Lys368Arg). The lysine residue is moderately conserved and there is a small physicochemical difference between lysine and arginine. This variant is present in population databases (rs764291005, ExAC 0.01%). This variant has not been reported in the literature in individuals with HEXA-related disease. Algorithms developed to predict the effect of missense changes on protein structure and function output the following: SIFT: "Tolerated"; PolyPhen-2: "Benign"; Align-GVGD: "Class C0". The arginine amino acid residue is found in multiple mammalian species, suggesting that this missense change does not adversely affect protein function. These predictions have not been confirmed by published functional studies and their clinical significance is uncertain. Algorithms developed to predict the effect of sequence changes on RNA splicing suggest that this variant may create or strengthen a splice site, but this prediction has not been confirmed by published transcriptional studies. In summary, the available evidence is currently insufficient to determine the role of this variant in disease. Therefore, it has been classified as a Variant of Uncertain Significance.

Counsyl
Classification: Uncertain significance for Tay-Sachs disease. Last evaluated: 2017-11-16. Review status: no assertion criteria provided. Collection method: clinical testing. Allele origin: unknown. Not counted in ClinVar's aggregate classification.

Dr. Peter K. Rogan Lab, Western University
No classification provided (evidence only). Condition: Hepatocellular carcinoma. Review status: no classification provided. Collection method: in vitro. Allele origin: not applicable. Functional consequence: skipped exon, retained intron. Not counted in ClinVar's aggregate classification.

NM_000520.6(HEXA):c.1103A>G (p.Lys368Arg)

Gene: HEXA (hexosaminidase subunit alpha; minus strand). Cytogenetic location: 15q23.
Variant type: single nucleotide variant.
Coding change: c.1103A>G on transcript NM_000520.6 (MANE Select); coding-DNA position 1103, A replaced by G.
Protein change: p.Lys368Arg; replaces lysine 368 with arginine.
Molecular consequence: missense variant.
Genome position (GRCh38, 1-based): chr15:72,347,729, T>C on the plus strand (A>G on the coding strand, the complement: HEXA is on the minus strand). VCF-style: chr15-72347729-T-C. GRCh37 (hg19) VCF-style: chr15-72640070-T-C.
Other names: c.1136A>G, p.Lys379Arg (NM_001318825.2); short protein forms K368R, K379R.
Identifiers: ClinVar variation 555055 (VCV000555055.5), dbSNP rs764291005, ClinGen allele CA7644803.
Genomic context (GRCh38, chr15:72,347,729, plus strand): 5'-TCTCTGCCCCGGCTCACCTTTACTTTATTATCAAACACCTCCTGCCACACCACATAGCCC[T>C]TGCCATAAGAAGAGACGATGTCCAGCAGCCTGGAGAGGAGAGGAGTGTCTAGTAAGTGTC-3'
Protein context (NP_000511.2, residues 358-378): TLLDIVSSYG[Lys368Arg]GYVVWQEVFD